The following is an entry in ClinVar:

NM_052844.4(DYNC2I2):c.149C>A (p.Ser50Ter)

Gene: DYNC2I2 (dynein 2 intermediate chain 2; minus strand). Cytogenetic location: 9q34.11.
Variant type: single nucleotide variant.
Coding change: c.149C>A on transcript NM_052844.4 (MANE Select); coding-DNA position 149, C replaced by A.
Protein change: p.Ser50Ter; replaces serine 50 with a stop codon.
Molecular consequence: nonsense.
Genome position (GRCh38, 1-based): chr9:128,656,578, G>T on the plus strand (C>A on the coding strand, the complement: DYNC2I2 is on the minus strand). VCF-style: chr9-128656578-G-T. GRCh37 (hg19) VCF-style: chr9-131418857-G-T.
Other names: short protein forms S50*.
Identifiers: ClinVar variation 4729956 (VCV004729956.1).

ClinVar aggregate classification (germline): Pathogenic (1 of 4 stars; one submission).

Conditions:
Short-rib thoracic dysplasia 11 with or without polydactyly (SRTD11). Also called: SHORT-RIB THORACIC DYSPLASIA 11 WITHOUT POLYDACTYLY. Identifiers: Orphanet 474, Orphanet 93271, MedGen C3810200, MONDO:0014287, OMIM 615633.

Submission:

Labcorp Genetics (formerly Invitae), Labcorp
Classification: Pathogenic for Short-rib thoracic dysplasia 11 with or without polydactyly. Last evaluated: 2025-11-07. Review status: criteria provided, single submitter. Criteria: Invitae Variant Classification Sherloc (09022015). Collection method: clinical testing. Allele origin: germline.
Comment: This sequence change creates a premature translational stop signal (p.Ser50*) in the WDR34 gene. It is expected to result in an absent or disrupted protein product. Loss-of-function variants in WDR34 are known to be pathogenic (PMID: 24183449, 24183451, 28379358). This variant is not present in population databases (gnomAD no frequency). This variant has not been reported in the literature in individuals affected with WDR34-related conditions. For these reasons, this variant has been classified as Pathogenic.

Literature cited by the submitters: PubMed 24183449; PubMed 24183451; PubMed 28379358.